The following is an entry in ClinVar:

NM_032228.6(FAR1):c.555T>C (p.Asp185=)

Gene: FAR1 (fatty acyl-CoA reductase 1; plus strand). Cytogenetic location: 11p15.3.
Variant type: single nucleotide variant.
Coding change: c.555T>C on transcript NM_032228.6 (MANE Select); coding-DNA position 555, T replaced by C.
Protein change: p.Asp185=; no amino-acid change (aspartic acid 185 retained).
Molecular consequence: synonymous variant.
Genome position (GRCh38, 1-based): chr11:13,710,702, T>C. VCF-style: chr11-13710702-T-C. GRCh37 (hg19) VCF-style: chr11-13732249-T-C.
Identifiers: ClinVar variation 718951 (VCV000718951.15), dbSNP rs182336044, ClinGen allele CA5893347.
Genomic context (GRCh38, chr11:13,710,702, plus strand): 5'-ATTTTATAGTAAAATATCTGGAAATATATTTGTATGCAATTTCTTTACCAGGTGGATGGA[T>C]GATGGCCTAGTAAATGATATCACGCCAAAATTGATAGGAGACAGACCTAATACATACATA-3'
Protein context (NP_115604.1, residues 175-195): KKLIDSLEWM[Asp185=]DGLVNDITPK

ClinVar aggregate classification (germline): Benign/Likely benign. Review status: criteria provided, multiple submitters, no conflicts (2 of 4 stars). 3 submissions from 3 submitters: Benign (1); Likely benign (1). 1 of the submissions does not count toward it. Last evaluated 2026-06-01.

Conditions:
FAR1-related disorder. Also called: FAR1-related condition.

Allele frequency attached by ClinVar (database versions not stated): ESP Exome Variant Server 0.00015; gnomAD exomes 0.00059 and 0.00265; gnomAD 0.00077 and 0.00079; 1000 Genomes Project 30x 0.00094; 1000 Genomes Project 0.00100; TOPMed 0.00157; ExAC 0.00247.
gnomAD v4.1: 972 of 1,586,736 alleles (0.061%); highest among the groups gnomAD compares: Admixed American, 1.1%; 10 homozygotes.

Submissions (3):

CeGaT Center for Human Genetics Tuebingen
Classification: Likely benign. Last evaluated: 2026-06-01. Review status: criteria provided, single submitter. Criteria: CeGaT Center For Human Genetics Tuebingen Variant Classification Criteria Version 2. Collection method: clinical testing. Allele origin: germline. Affected: yes. Observed: 2 variant alleles.
Comment: FAR1: BP4, BS1

Labcorp Genetics (formerly Invitae), Labcorp
Classification: Benign. Last evaluated: 2026-02-03. Review status: criteria provided, single submitter. Criteria: Invitae Variant Classification Sherloc (09022015). Collection method: clinical testing. Allele origin: germline.

PreventionGenetics, part of Exact Sciences
Classification: Benign for FAR1-related condition. Last evaluated: 2019-08-22. Review status: no assertion criteria provided. Collection method: clinical testing. Allele origin: germline. Not counted in ClinVar's aggregate classification.
Comment: This variant is classified as benign based on ACMG/AMP sequence variant interpretation guidelines (Richards et al. 2015 PMID: 25741868, with internal and published modifications).